The following is an entry in ClinVar:

ClinVar aggregate classification (germline): Uncertain significance. Review status: criteria provided, multiple submitters, no conflicts (2 of 4 stars). 4 submissions from 4 submitters: Uncertain significance (4). Last evaluated 2026-06-29.

Conditions:
Hereditary cancer-predisposing syndrome. Also called: Neoplastic Syndromes, Hereditary; Hereditary Cancer Syndrome; Hereditary neoplastic syndrome; Tumor predisposition. Identifiers: Orphanet 140162, MedGen C0027672, MeSH D009386, MONDO:0015356.
Rhabdoid tumor predisposition syndrome 1 (RTPS1). Also called: Familial Posterior Fossa Brain Tumor of Infancy. Identifiers: Orphanet 231108, Orphanet 69077, MedGen C1836327, MONDO:0012252, OMIM 609322.
Intellectual disability, autosomal dominant 15 (CSS3). Also called: COFFIN-SIRIS SYNDROME 3. Identifiers: Orphanet 1465, MedGen C3553248, MONDO:0013820, OMIM 614608.

Allele frequency attached by ClinVar (database versions not stated): gnomAD 0.00001.
gnomAD v4.1: 1 of 1,613,942 alleles (0.000062%); highest among the groups gnomAD compares: Admixed American, 0.0017%; no homozygotes.

Submissions (4):

Laboratory of Medical Genetics, University of Torino
Classification: Uncertain significance for Intellectual disability, autosomal dominant 15. Last evaluated: 2026-06-29. Review status: criteria provided, single submitter. Criteria: ACMG Guidelines, 2015. Collection method: clinical testing. Allele origin: de novo. Affected: yes.

Labcorp Genetics (formerly Invitae), Labcorp
Classification: Uncertain significance. Last evaluated: 2026-01-02. Review status: criteria provided, single submitter. Criteria: Invitae Variant Classification Sherloc (09022015). Collection method: clinical testing. Allele origin: germline.
Comment: This sequence change replaces arginine, which is basic and polar, with glutamine, which is neutral and polar, at codon 316 of the SMARCB1 protein (p.Arg316Gln). This variant is not present in population databases (gnomAD no frequency). This variant has not been reported in the literature in individuals affected with SMARCB1-related conditions. ClinVar contains an entry for this variant (Variation ID: 951906). Invitae Evidence Modeling of protein sequence and biophysical properties (such as structural, functional, and spatial information, amino acid conservation, physicochemical variation, residue mobility, and thermodynamic stability) indicates that this missense variant is expected to disrupt SMARCB1 protein function with a positive predictive value of 80%. In summary, the available evidence is currently insufficient to determine the role of this variant in disease. Therefore, it has been classified as a Variant of Uncertain Significance.

Ambry Genetics
Classification: Uncertain significance for Hereditary cancer-predisposing syndrome. Last evaluated: 2024-06-11. Review status: criteria provided, single submitter. Criteria: Ambry Variant Classification Scheme 2023. Collection method: clinical testing. Allele origin: germline.
Comment: The p.R316Q variant (also known as c.947G>A), located in coding exon 7 of the SMARCB1 gene, results from a G to A substitution at nucleotide position 947. The arginine at codon 316 is replaced by glutamine, an amino acid with highly similar properties. This amino acid position is highly conserved in available vertebrate species. In addition, this alteration is predicted to be deleterious by in silico analysis. Based on the available evidence, the clinical significance of this variant remains unclear.

Baylor Genetics
Classification: Uncertain significance for Rhabdoid tumor predisposition syndrome 1. Last evaluated: 2023-08-11. Review status: criteria provided, single submitter. Criteria: ACMG Guidelines, 2015. Collection method: clinical testing. Allele origin: unknown.

NM_003073.5(SMARCB1):c.947G>A (p.Arg316Gln)

Gene: SMARCB1 (SWI/SNF related BAF chromatin remodeling complex subunit B1; plus strand). Cytogenetic location: 22q11.23.
Variant type: single nucleotide variant.
Coding change: c.947G>A on transcript NM_003073.5 (MANE Select); coding-DNA position 947, G replaced by A.
Protein change: p.Arg316Gln; replaces arginine 316 with glutamine.
Molecular consequence: missense variant.
Genome position (GRCh38, 1-based): chr22:23,825,376, G>A. VCF-style: chr22-23825376-G-A. GRCh37 (hg19) VCF-style: chr22-24167563-G-A.
Other names: c.920G>A, p.Arg307Gln (NM_001007468.3); c.974G>A, p.Arg325Gln (NM_001317946.2); c.1001G>A, p.Arg334Gln (NM_001362877.2); short protein forms R334Q, R316Q, R325Q, R307Q.
Identifiers: ClinVar variation 951906 (VCV000951906.14), dbSNP rs2030327999, ClinGen allele CA410907788.